The following is an entry in ClinVar:

ClinVar aggregate classification (germline): Pathogenic/Likely pathogenic. Review status: criteria provided, multiple submitters, no conflicts (2 of 4 stars). 3 submissions from 3 submitters: Pathogenic (2); Likely pathogenic (1). Last evaluated 2024-07-04.

Conditions:
Inborn genetic diseases. Identifiers: MedGen C0950123, MeSH D030342.
Congenital muscular hypertrophy-cerebral syndrome (CDLS2). Also called: SMC1A-Related Cornelia de Lange Syndrome; Cornelia de Lange syndrome 2. Identifiers: Orphanet 199, MedGen C1802395, MONDO:0010370, OMIM 300590.

Submissions (3):

Labcorp Genetics (formerly Invitae), Labcorp
Classification: Pathogenic for Congenital muscular hypertrophy-cerebral syndrome. Last evaluated: 2024-07-04. Review status: criteria provided, single submitter. Criteria: Invitae Variant Classification Sherloc (09022015). Collection method: clinical testing. Allele origin: germline.
Comment: This sequence change creates a premature translational stop signal (p.Arg1035*) in the SMC1A gene. It is expected to result in an absent or disrupted protein product. Loss-of-function variants in SMC1A are known to be pathogenic (PMID: 26386245, 27334371, 28166369, 28548707, 31334757). This variant is not present in population databases (gnomAD no frequency). This variant has not been reported in the literature in individuals affected with SMC1A-related conditions. ClinVar contains an entry for this variant (Variation ID: 532569). For these reasons, this variant has been classified as Pathogenic.

Ambry Genetics
Classification: Pathogenic for Inborn genetic diseases. Last evaluated: 2023-04-20. Review status: criteria provided, single submitter. Criteria: Ambry Variant Classification Scheme 2023. Collection method: clinical testing. Allele origin: germline.
Comment: The c.3103C>T (p.R1035*) alteration, located in exon 20 (coding exon 20) of the SMC1A gene, consists of a C to T substitution at nucleotide position 3103. This changes the amino acid from an arginine (R) to a stop codon at amino acid position 1035. This alteration is expected to result in loss of function by premature protein truncation or nonsense-mediated mRNA decay._x000D_ _x000D_ Based on the available evidence, the SMC1A c.3103C>T (p.R1035*) alteration is classified as pathogenic for SMC1A-related developmental and epileptic encephalopathy; however, the clinical significance for Cornelia de Lange syndrome is unclear. This variant was not reported in population-based cohorts in the Genome Aggregation Database (gnomAD). Based on the available evidence, this alteration is classified as pathogenic.

Baylor Genetics
Classification: Likely pathogenic for Congenital muscular hypertrophy-cerebral syndrome. Last evaluated: 2020-02-04. Review status: criteria provided, single submitter. Criteria: ACMG Guidelines, 2015. Collection method: clinical testing. Allele origin: unknown. Affected: yes.
Comment: This variant was determined to be likely pathogenic according to ACMG Guidelines, 2015 [PMID:25741868].

Literature cited by the submitters: PubMed 26386245 (cited by Labcorp Genetics (formerly Invitae), Labcorp); PubMed 27334371 (cited by Labcorp Genetics (formerly Invitae), Labcorp); PubMed 28166369 (cited by Labcorp Genetics (formerly Invitae), Labcorp); PubMed 28548707 (cited by Labcorp Genetics (formerly Invitae), Labcorp); PubMed 31334757 (cited by Labcorp Genetics (formerly Invitae), Labcorp).

NM_006306.4(SMC1A):c.3103C>T (p.Arg1035Ter)

Gene: SMC1A (structural maintenance of chromosomes 1A; minus strand). Cytogenetic location: Xp11.22.
Variant type: single nucleotide variant.
Coding change: c.3103C>T on transcript NM_006306.4 (MANE Select); coding-DNA position 3103, C replaced by T.
Protein change: p.Arg1035Ter; replaces arginine 1035 with a stop codon.
Molecular consequence: nonsense.
Genome position (GRCh38, 1-based): chrX:53,383,124, G>A on the plus strand (C>T on the coding strand, the complement: SMC1A is on the minus strand). VCF-style: chrX-53383124-G-A. GRCh37 (hg19) VCF-style: chrX-53410045-G-A.
Other names: c.3037C>T, p.Arg1013Ter (NM_001281463.1); c.3103C>T (NM_006306.2); short protein forms R1035*, R1013*.
Identifiers: ClinVar variation 532569 (VCV000532569.9), dbSNP rs1556886124, ClinGen allele CA413245380.